The following is an entry in ClinVar:

NM_000443.4(ABCB4):c.3535C>T (p.Gln1179Ter)

Gene: ABCB4 (ATP binding cassette subfamily B member 4; minus strand). Cytogenetic location: 7q21.12.
Variant type: single nucleotide variant.
Coding change: c.3535C>T on transcript NM_000443.4 (MANE Select); coding-DNA position 3535, C replaced by T.
Protein change: p.Gln1179Ter; replaces glutamine 1179 with a stop codon.
Molecular consequence: nonsense.
Genome position (GRCh38, 1-based): chr7:87,403,233, G>A on the plus strand (C>T on the coding strand, the complement: ABCB4 is on the minus strand). VCF-style: chr7-87403233-G-A. GRCh37 (hg19) VCF-style: chr7-87032549-G-A.
Other names: c.3556C>T, p.Gln1186Ter (NM_018849.3); c.3394C>T, p.Gln1132Ter (NM_018850.3); short protein forms Q1132*, Q1186*, Q1179*.
Identifiers: ClinVar variation 812975 (VCV000812975.3), dbSNP rs1584665400, ClinGen allele CA368057653.
Genomic context (GRCh38, chr7:87,403,233, plus strand): 5'-CCAACAGGAGGATTTGAGGTTGTCTGATGAGGGCTCGGGCAATAGCAATCCTCTGTTTTT[G>A]ACCTCCTGAGAGCTGAGTCCCCTTATCTCCCACTCTTGTTTCATATTTCTGCAAGTTAAC-3'

ClinVar aggregate classification (germline): Pathogenic. Review status: criteria provided, single submitter (1 of 4 stars). 2 submissions from 2 submitters: Pathogenic (1). 1 of the submissions does not count toward it. Last evaluated 2026-04-14.

Conditions:
Familial intrahepatic cholestasis. Identifiers: Orphanet 284385, MedGen CN296401, MONDO:0017290.
Cholestasis, intrahepatic, of pregnancy, 3. Identifiers: Orphanet 69665, MedGen C3554241, MONDO:0013995, OMIM 614972.

Submissions (2):

Genomenon, Inc
Classification: Pathogenic for Familial intrahepatic cholestasis. Last evaluated: 2026-04-14. Review status: criteria provided, single submitter. Criteria: Genomenon Sequence Variant Interpretation Standards - Updated. Collection method: curation. Allele origin: germline. Affected: yes.
Comment: ABCB4 p.Gln1179Ter (c.3535C>T) is a nonsense variant that introduces a premature stop codon at amino acid position 1179, creating a truncated protein that is predicted to undergo nonsense-mediated mRNA decay. This variant has been observed in at least one proband with an ABCB4-related disorder (PMID:29992621). It is absent or not present at a significant frequency in gnomAD. In conclusion, we classify ABCB4 p.Gln1179Ter (c.3535C>T) as a pathogenic variant.

NIHR Bioresource Rare Diseases, University of Cambridge
Classification: Likely pathogenic for Cholestasis, intrahepatic, of pregnancy, 3. Review status: no assertion criteria provided. Collection method: research. Allele origin: unknown. Affected: yes. Observed: 1 variant allele. Not counted in ClinVar's aggregate classification.

Literature cited by the submitters: PubMed 29992621 (cited by Genomenon, Inc); PubMed 32581362 (cited by NIHR Bioresource Rare Diseases, University of Cambridge).